The following is an entry in ClinVar:

NM_004960.4(FUS):c.293C>T (p.Pro98Leu)

Gene: FUS (FUS RNA binding protein; plus strand). Cytogenetic location: 16p11.2.
Variant type: single nucleotide variant.
Coding change: c.293C>T on transcript NM_004960.4 (MANE Select); coding-DNA position 293, C replaced by T.
Protein change: p.Pro98Leu; replaces proline 98 with leucine.
Molecular consequence: missense variant. On other transcripts: non-coding transcript variant (1).
Genome position (GRCh38, 1-based): chr16:31,183,960, C>T. VCF-style: chr16-31183960-C-T. GRCh37 (hg19) VCF-style: chr16-31195281-C-T.
Other names: c.290C>T, p.Pro97Leu (NM_001170634.1); c.293C>T, p.Pro98Leu (NM_001170937.1); short protein forms P98L, P97L.
Identifiers: ClinVar variation 4027289 (VCV004027289.1).

ClinVar aggregate classification (germline): Uncertain significance (1 of 4 stars; one submission).

Conditions:
Inborn genetic diseases. Identifiers: MedGen C0950123, MeSH D030342.

gnomAD v4.1: 3 of 1,613,972 alleles (0.00019%); highest among the groups gnomAD compares: South Asian, 0.0022%; no homozygotes.

Submission:

Ambry Genetics
Classification: Uncertain significance for Inborn genetic diseases. Last evaluated: 2025-06-09. Review status: criteria provided, single submitter. Criteria: Ambry Variant Classification Scheme 2023. Collection method: clinical testing. Allele origin: germline.
Comment: The p.P98L variant (also known as c.293C>T), located in coding exon 4 of the FUS gene, results from a C to T substitution at nucleotide position 293. The proline at codon 98 is replaced by leucine, an amino acid with similar properties. This amino acid position is conserved. In addition, the in silico prediction for this alteration is inconclusive. Based on the available evidence, the clinical significance of this variant remains unclear.